The following is an entry in ClinVar:

ClinVar aggregate classification (germline): Uncertain significance. Review status: criteria provided, multiple submitters, no conflicts (2 of 4 stars). 4 submissions from 4 submitters: Uncertain significance (4). Last evaluated 2025-10-23.

Conditions:
Cardiovascular phenotype. Identifiers: MedGen CN230736.
DK1-congenital disorder of glycosylation. Also called: DOLK-congenital disorder of glycosylation; Carbohydrate deficient glycoprotein syndrome type 1m; CONGENITAL DISORDER OF GLYCOSYLATION, TYPE Im; CDG Im; DK1 DEFICIENCY; DOLICHOL KINASE DEFICIENCY. Identifiers: Orphanet 91131, MedGen C1835849, MONDO:0012556, OMIM 610768.
DOLK-related disorder. Also called: DOLK-related condition.

Allele frequency attached by ClinVar (database versions not stated): gnomAD 0.00002; TOPMed 0.00002; gnomAD exomes 0.00003 and 0.00007; ExAC 0.00005.
gnomAD v4.1: 21 of 1,614,020 alleles (0.0013%); highest among the groups gnomAD compares: Admixed American, 0.035%; no homozygotes.

Submissions (4):

Ambry Genetics
Classification: Uncertain significance for Cardiovascular phenotype. Last evaluated: 2025-10-23. Review status: criteria provided, single submitter. Criteria: Ambry Variant Classification Scheme 2023. Collection method: clinical testing. Allele origin: germline.
Comment: The p.P191H variant (also known as c.572C>A), located in coding exon 1 of the DOLK gene, results from a C to A substitution at nucleotide position 572. The proline at codon 191 is replaced by histidine, an amino acid with similar properties. This amino acid position is highly conserved in available vertebrate species. In addition, this alteration is predicted to be deleterious by in silico analysis. Since supporting evidence is limited at this time, the clinical significance of this alteration remains unclear.

PreventionGenetics, part of Exact Sciences
Classification: Uncertain significance for DOLK-related condition. Last evaluated: 2025-04-20. Review status: criteria provided, single submitter. Criteria: ACMG Guidelines, 2015. Collection method: clinical testing. Allele origin: germline.
Comment: The DOLK c.572C>A variant is predicted to result in the amino acid substitution p.Pro191His. To our knowledge, this variant has not been reported in the literature. This variant is reported in 0.052% of alleles in individuals of Latino descent in gnomAD. Although we suspect that this variant may be benign, at this time, the clinical significance of this variant is uncertain due to the absence of conclusive functional and genetic evidence.

Labcorp Genetics (formerly Invitae), Labcorp
Classification: Uncertain significance for DK1-congenital disorder of glycosylation. Last evaluated: 2022-10-26. Review status: criteria provided, single submitter. Criteria: Invitae Variant Classification Sherloc (09022015). Collection method: clinical testing. Allele origin: germline.
Comment: This sequence change replaces proline, which is neutral and non-polar, with histidine, which is basic and polar, at codon 191 of the DOLK protein (p.Pro191His). This variant is present in population databases (rs767965852, gnomAD 0.05%). This variant has not been reported in the literature in individuals affected with DOLK-related conditions. ClinVar contains an entry for this variant (Variation ID: 532845). Advanced modeling of protein sequence and biophysical properties (such as structural, functional, and spatial information, amino acid conservation, physicochemical variation, residue mobility, and thermodynamic stability) performed at Invitae indicates that this missense variant is expected to disrupt DOLK protein function. In summary, the available evidence is currently insufficient to determine the role of this variant in disease. Therefore, it has been classified as a Variant of Uncertain Significance.

Fulgent Genetics
Classification: Uncertain significance for DK1-congenital disorder of glycosylation. Last evaluated: 2021-09-08. Review status: criteria provided, single submitter. Criteria: ACMG Guidelines, 2015. Collection method: clinical testing. Allele origin: unknown.

NM_014908.4(DOLK):c.572C>A (p.Pro191His)

Gene: DOLK (dolichol kinase; minus strand). Cytogenetic location: 9q34.11.
Variant type: single nucleotide variant.
Coding change: c.572C>A on transcript NM_014908.4 (MANE Select); coding-DNA position 572, C replaced by A.
Protein change: p.Pro191His; replaces proline 191 with histidine.
Molecular consequence: missense variant.
Genome position (GRCh38, 1-based): chr9:128,946,732, G>T on the plus strand (C>A on the coding strand, the complement: DOLK is on the minus strand). VCF-style: chr9-128946732-G-T. GRCh37 (hg19) VCF-style: chr9-131709011-G-T.
Other names: short protein forms P191H.
Identifiers: ClinVar variation 532845 (VCV000532845.13), dbSNP rs767965852, ClinGen allele CA5271719.